The following is an entry in ClinVar:

ClinVar aggregate classification (germline): Pathogenic. Review status: criteria provided, multiple submitters, no conflicts (2 of 4 stars). 2 submissions from 2 submitters: Pathogenic (2). Last evaluated 2025-12-26.

gnomAD v4.1: 1 of 1,613,804 alleles (0.000062%); highest among the groups gnomAD compares: Non-Finnish European, 0.000085%; no homozygotes.

Submissions (2):

Labcorp Genetics (formerly Invitae), Labcorp
Classification: Pathogenic. Last evaluated: 2025-12-26. Review status: criteria provided, single submitter. Criteria: Invitae Variant Classification Sherloc (09022015). Collection method: clinical testing. Allele origin: germline.
Comment: This sequence change creates a premature translational stop signal (p.Tyr4031*) in the USH2A gene. It is expected to result in an absent or disrupted protein product. Loss-of-function variants in USH2A are known to be pathogenic (PMID: 10729113, 10909849, 20507924, 25649381). This variant is not present in population databases (gnomAD no frequency). This premature translational stop signal has been observed in individual(s) with USH2A-related conditions (PMID: 25649381, 38219857). ClinVar contains an entry for this variant (Variation ID: 546112). For these reasons, this variant has been classified as Pathogenic.

GeneDx
Classification: Pathogenic. Last evaluated: 2018-05-18. Review status: criteria provided, single submitter. Criteria: GeneDx Variant Classification (06012015). Collection method: clinical testing. Allele origin: germline. Affected: yes.
Comment: The Y4031X variant in the USH2A gene has been reported previously in an individual with retinal disease and nyctalopia who also harbored a second USH2A variant (Lenassi et al., 2015). This variant is predicted to cause loss of normal protein function either through protein truncation or nonsense-mediated mRNA decay. The Y4031X variant is not observed in large population cohorts (Lek et al., 2016). We interpret Y4031X as a pathogenic variant.

Literature cited by the submitters: PubMed 10729113 (cited by Labcorp Genetics (formerly Invitae), Labcorp); PubMed 10909849 (cited by Labcorp Genetics (formerly Invitae), Labcorp); PubMed 20507924 (cited by Labcorp Genetics (formerly Invitae), Labcorp); PubMed 25649381 (cited by Labcorp Genetics (formerly Invitae), Labcorp); PubMed 38219857 (cited by Labcorp Genetics (formerly Invitae), Labcorp).

NM_206933.4(USH2A):c.12093C>A (p.Tyr4031Ter)

Gene: USH2A (usherin; minus strand). Cytogenetic location: 1q41.
Variant type: single nucleotide variant.
Coding change: c.12093C>A on transcript NM_206933.4 (MANE Select); coding-DNA position 12093, C replaced by A.
Protein change: p.Tyr4031Ter; replaces tyrosine 4031 with a stop codon.
Molecular consequence: nonsense.
Genome position (GRCh38, 1-based): chr1:215,680,350, G>T on the plus strand (C>A on the coding strand, the complement: USH2A is on the minus strand). VCF-style: chr1-215680350-G-T. GRCh37 (hg19) VCF-style: chr1-215853692-G-T.
Other names: short protein forms Y4031*.
Identifiers: ClinVar variation 546112 (VCV000546112.3), dbSNP rs55921307, ClinGen allele CA344816700.